The following is an entry in ClinVar:

ClinVar aggregate classification (germline): Benign/Likely benign. Review status: criteria provided, multiple submitters, no conflicts (2 of 4 stars). 4 submissions from 4 submitters: Benign (1); Likely benign (3). Last evaluated 2026-01-27.

Conditions:
AP3D1-related disorder. Also called: AP3D1-related condition.

Allele frequency attached by ClinVar (database versions not stated): ExAC 0.00030; 1000 Genomes Project 30x 0.00031; gnomAD exomes 0.00033 and 0.00013; 1000 Genomes Project 0.00040; ESP Exome Variant Server 0.00008; gnomAD 0.00012 and 0.00014; TOPMed 0.00022.
gnomAD v4.1: 214 of 1,613,386 alleles (0.013%); highest among the groups gnomAD compares: East Asian, 0.2%; no homozygotes.

Submissions (4):

Labcorp Genetics (formerly Invitae), Labcorp
Classification: Benign. Last evaluated: 2026-01-27. Review status: criteria provided, single submitter. Criteria: Invitae Variant Classification Sherloc (09022015). Collection method: clinical testing. Allele origin: germline.

PreventionGenetics, part of Exact Sciences
Classification: Likely benign for AP3D1-related condition. Last evaluated: 2025-10-27. Review status: criteria provided, single submitter. Criteria: ACMG Guidelines, 2015. Collection method: clinical testing. Allele origin: germline.
Comment: This variant is classified as likely benign based on ACMG/AMP sequence variant interpretation guidelines (Richards et al. 2015 PMID: 25741868, with internal and published modifications).

CeGaT Center for Human Genetics Tuebingen
Classification: Likely benign. Last evaluated: 2024-07-01. Review status: criteria provided, single submitter. Criteria: CeGaT Center For Human Genetics Tuebingen Variant Classification Criteria Version 2. Collection method: clinical testing. Allele origin: germline. Affected: yes. Observed: 1 variant allele.
Comment: AP3D1: BP4, BP7

Blueprint Genetics
Classification: Likely benign. Last evaluated: 2023-11-29. Review status: criteria provided, single submitter. Criteria: ACMG Guidelines, 2015. Collection method: clinical testing. Allele origin: germline.

NM_001261826.3(AP3D1):c.2292C>T (p.Ser764=)

Gene: AP3D1 (adaptor related protein complex 3 subunit delta 1; minus strand). Cytogenetic location: 19p13.3.
Variant type: single nucleotide variant.
Coding change: c.2292C>T on transcript NM_001261826.3 (MANE Select); coding-DNA position 2292, C replaced by T.
Protein change: p.Ser764=; no amino-acid change (serine 764 retained).
Molecular consequence: synonymous variant.
Genome position (GRCh38, 1-based): chr19:2,115,276, G>A on the plus strand (C>T on the coding strand, the complement: AP3D1 is on the minus strand). VCF-style: chr19-2115276-G-A. GRCh37 (hg19) VCF-style: chr19-2115275-G-A.
Other names: c.2292C>T, p.Ser764= (NM_001374799.1, NM_003938.8).
Identifiers: ClinVar variation 761664 (VCV000761664.28), dbSNP rs376361242, ClinGen allele CA9058935.
Genomic context (GRCh38, chr19:2,115,276, plus strand): 5'-GACCTCAGGCATCTCCTCTGTGACGATGTCCACCTGCTGGGCAGGGGCGATGTCCTCGTC[G>A]CTCTCCGTGGGCAGCGAGCTGTGGCGGCGCTTGCCCTTCTTCTCCTTCTCCTTCCTCTTT-3'
Protein context (NP_001248755.1, residues 754-774): KRRHSSLPTE[Ser764=]DEDIAPAQQV